The following is an entry in ClinVar:

NM_006258.4(PRKG1):c.1166T>C (p.Val389Ala)

Gene: PRKG1 (protein kinase cGMP-dependent 1; plus strand). Cytogenetic location: 10q21.1.
Variant type: single nucleotide variant.
Coding change: c.1166T>C on transcript NM_006258.4 (MANE Select); coding-DNA position 1166, T replaced by C.
Protein change: p.Val389Ala; replaces valine 389 with alanine.
Molecular consequence: missense variant. On other transcripts: 5 prime UTR variant (1).
Genome position (GRCh38, 1-based): chr10:52,251,659, T>C. VCF-style: chr10-52251659-T-C. GRCh37 (hg19) VCF-style: chr10-54011419-T-C.
Other names: c.1121T>C, p.Val374Ala (NM_001098512.3); c.-44T>C (NM_001374781.1); short protein forms V389A, V374A.
Identifiers: ClinVar variation 1034732 (VCV001034732.8), dbSNP rs572399173, ClinGen allele CA207397655.

ClinVar aggregate classification (germline): Uncertain significance (1 of 4 stars; one submission).

Conditions:
Aortic aneurysm, familial thoracic 8 (AAT8). Identifiers: MedGen C3809513, MONDO:0014187, OMIM 615436.

Allele frequency attached by ClinVar (database versions not stated): gnomAD exomes below 0.00001 and 0.00001; TOPMed below 0.00001.
gnomAD v4.1: 7 of 1,610,788 alleles (0.00043%); highest among the groups gnomAD compares: Non-Finnish European, 0.00059%; no homozygotes.

Submission:

Labcorp Genetics (formerly Invitae), Labcorp
Classification: Uncertain significance for Aortic aneurysm, familial thoracic 8. Last evaluated: 2025-06-24. Review status: criteria provided, single submitter. Criteria: Invitae Variant Classification Sherloc (09022015). Collection method: clinical testing. Allele origin: germline.
Comment: This sequence change replaces valine, which is neutral and non-polar, with alanine, which is neutral and non-polar, at codon 389 of the PRKG1 protein (p.Val389Ala). This variant is present in population databases (rs572399173, gnomAD 0.0009%). This variant has not been reported in the literature in individuals affected with PRKG1-related conditions. ClinVar contains an entry for this variant (Variation ID: 1034732). An algorithm developed to predict the effect of missense changes on protein structure and function (PolyPhen-2) suggests that this variant is likely to be disruptive. In summary, the available evidence is currently insufficient to determine the role of this variant in disease. Therefore, it has been classified as a Variant of Uncertain Significance.